The following is an entry in ClinVar:

ClinVar aggregate classification (germline): Pathogenic (1 of 4 stars; one submission).

Conditions:
Dilated cardiomyopathy 1DD (CMD1DD). Identifiers: Orphanet 154, MedGen C2750995, MONDO:0013168, OMIM 613172.

Submission:

Labcorp Genetics (formerly Invitae), Labcorp
Classification: Pathogenic for Dilated cardiomyopathy 1DD. Last evaluated: 2025-11-21. Review status: criteria provided, single submitter. Criteria: Invitae Variant Classification Sherloc (09022015). Collection method: clinical testing. Allele origin: germline.
Comment: This sequence change creates a premature translational stop signal (p.Asn744Thrfs*29) in the RBM20 gene. It is expected to result in an absent or disrupted protein product. Loss-of-function variants in RBM20 are known to be pathogenic (PMID: 20590677, 22004663, 38288598, 38510713, 40339755). This variant is not present in population databases (gnomAD no frequency). This variant has not been reported in the literature in individuals affected with RBM20-related conditions. ClinVar contains an entry for this variant (Variation ID: 3724757). For these reasons, this variant has been classified as Pathogenic.

Literature cited by the submitters: PubMed 20590677; PubMed 22004663; PubMed 38288598; PubMed 38510713; PubMed 40339755.

NM_001134363.3(RBM20):c.2229del (p.Asn744fs)

Gene: RBM20 (RNA binding motif protein 20; plus strand). Cytogenetic location: 10q25.2.
Variant type: Deletion.
Coding change: c.2229del on transcript NM_001134363.3 (MANE Select); coding-DNA position 2229, one base deleted (C; older notation c.2229delC).
Protein change: p.Asn744fs; shifts the reading frame from asparagine 744.
Molecular consequence: frameshift variant.
Genome position (GRCh38, 1-based): chr10:110,812,626, C deleted; the last of 3 consecutive C bases (chr10:110,812,624-110,812,626); deleting any one gives the same sequence. VCF-style (leftmost placement, unchanged base first): chr10-110812623-TC-T. GRCh37 (hg19) VCF-style: chr10-112572381-TC-T.
Other names: short protein forms N744fs.
Identifiers: ClinVar variation 3724757 (VCV003724757.2).
Genomic context (GRCh38, chr10:110,812,623, plus strand): 5'-GTTGGACGAGCGACCAGAAGGAGGGAGGCCCCACCGGGAGAAGTACCCGAGATCTGGGTC[TC>T]CCAACCTGCCCCACTCTGTGTCCAGCTACAAAAGCCGTGAAGACGGCTACTACCGGAAAG-3'